The following is an entry in ClinVar:

ClinVar aggregate classification (germline): Uncertain significance. Review status: criteria provided, multiple submitters, no conflicts (2 of 4 stars). 2 submissions from 2 submitters: Uncertain significance (2). Last evaluated 2025-05-18.

Conditions:
Hereditary cancer-predisposing syndrome. Also called: Hereditary Cancer Syndrome; Hereditary neoplastic syndrome; Neoplastic Syndromes, Hereditary; Tumor predisposition. Identifiers: Orphanet 140162, MedGen C0027672, MeSH D009386, MONDO:0015356.

Allele frequency attached by ClinVar (database versions not stated): TOPMed below 0.00001; gnomAD 0.00001.
gnomAD v4.1: 1 of 1,614,070 alleles (0.000062%); highest among the groups gnomAD compares: African/African-American, 0.0013%; no homozygotes.

Submissions (2):

Ambry Genetics
Classification: Uncertain significance for Hereditary cancer-predisposing syndrome. Last evaluated: 2025-05-18. Review status: criteria provided, single submitter. Criteria: Ambry Variant Classification Scheme 2023. Collection method: clinical testing. Allele origin: germline.
Comment: The p.E159Q variant (also known as c.475G>C), located in coding exon 4 of the SDHAF2 gene, results from a G to C substitution at nucleotide position 475. The glutamic acid at codon 159 is replaced by glutamine, an amino acid with highly similar properties. This amino acid position is conserved. In addition, the in silico prediction for this alteration is inconclusive. Based on the available evidence, the clinical significance of this variant remains unclear.

GeneDx
Classification: Uncertain significance. Last evaluated: 2022-11-17. Review status: criteria provided, single submitter. Criteria: GeneDx Variant Classification Process June 2021. Collection method: clinical testing. Allele origin: germline. Affected: yes.
Comment: Not observed at significant frequency in large population cohorts (gnomAD); In silico analysis supports that this missense variant does not alter protein structure/function; Has not been previously published as pathogenic or benign to our knowledge

NM_017841.4(SDHAF2):c.475G>C (p.Glu159Gln)

Gene: SDHAF2 (succinate dehydrogenase complex assembly factor 2; plus strand). Cytogenetic location: 11q12.2.
Variant type: single nucleotide variant.
Coding change: c.475G>C on transcript NM_017841.4 (MANE Select); coding-DNA position 475, G replaced by C.
Protein change: p.Glu159Gln; replaces glutamic acid 159 with glutamine.
Molecular consequence: missense variant.
Genome position (GRCh38, 1-based): chr11:61,446,045, G>C. VCF-style: chr11-61446045-G-C. GRCh37 (hg19) VCF-style: chr11-61213517-G-C.
Other names: short protein forms E159Q.
Identifiers: ClinVar variation 2502697 (VCV002502697.2), dbSNP rs1862133582, ClinGen allele CA380685542.